The following is an entry in ClinVar:

ClinVar aggregate classification (germline): Uncertain significance (1 of 4 stars; one submission).

Submission:

Ambry Genetics
Classification: Uncertain significance. Last evaluated: 2026-04-05. Review status: criteria provided, single submitter. Criteria: Ambry Variant Classification Scheme 2023. Collection method: clinical testing. Allele origin: germline.
Comment: The p.P982A variant (also known as c.2944C>G), located in coding exon 11 of the WNK2 gene, results from a C to G substitution at nucleotide position 2944. The proline at codon 982 is replaced by alanine, an amino acid with highly similar properties. This amino acid position is conserved. In addition, this alteration is predicted to be tolerated by in silico analysis. Based on the available evidence, the clinical significance of this variant remains unclear.

NM_006648.4(WNK2):c.2944C>G (p.Pro982Ala)

Gene: WNK2 (WNK lysine deficient protein kinase 2; plus strand). Cytogenetic location: 9q22.31.
Variant type: single nucleotide variant.
Coding change: c.2944C>G on transcript NM_006648.4 (MANE Select); coding-DNA position 2944, C replaced by G.
Protein change: p.Pro982Ala; replaces proline 982 with alanine.
Molecular consequence: missense variant.
Genome position (GRCh38, 1-based): chr9:93,259,492, C>G. VCF-style: chr9-93259492-C-G. GRCh37 (hg19) VCF-style: chr9-96021774-C-G.
Other names: c.2944C>G, p.Pro982Ala (NM_001282394.3); short protein forms P982A.
Identifiers: ClinVar variation 4866568 (VCV004866568.1).